The following is an entry in ClinVar:

ClinVar aggregate classification (germline): Likely pathogenic (0 of 4 stars; one submission).

Conditions:
CDC73-related disorder. Also called: CDC73-related condition; CDC73-related disorders. Identifiers: MedGen CN169292.

Submission:

PreventionGenetics, part of Exact Sciences
Classification: Likely pathogenic for CDC73-related condition. Last evaluated: 2024-08-09. Review status: no assertion criteria provided. Collection method: clinical testing. Allele origin: germline.
Comment: The CDC73 c.626_690dup65 variant is predicted to result in a frameshift and premature protein termination (p.Trp231Asnfs*10). To our knowledge, this variant has not been reported in the literature or in a large population database, indicating this variant is rare. This variant is not reported in the ClinVar database. Frameshift variants in CDC73 are expected to be pathogenic. This variant is interpreted as likely pathogenic.

NM_024529.5(CDC73):c.626_690dup (p.Trp231delinsAsnArgGlyValLeuTrpMetLeuArgTer)

Gene: CDC73 (cell division cycle 73; plus strand). Cytogenetic location: 1q31.2.
Variant type: Duplication.
Coding change: c.626_690dup on transcript NM_024529.5 (MANE Select); coding-DNA positions 626 to 690, 65 bases duplicated.
Protein change: p.Trp231delinsAsnArgGlyValLeuTrpMetLeuArgTer.
Molecular consequence: nonsense. On other transcripts: frameshift variant (1).
Genome position (GRCh38, 1-based): chr1:193,141,963-193,142,027, 65 bases duplicated. GRCh37 (hg19): chr1:193,111,093-193,111,157.
Other names: c.626_690dup65 (NM_024529.4).
Identifiers: ClinVar variation 3347216 (VCV003347216.1).